The following is an entry in ClinVar:

NM_003242.6(TGFBR2):c.647G>A (p.Cys216Tyr)

Gene: TGFBR2 (transforming growth factor beta receptor 2; plus strand). Cytogenetic location: 3p24.1.
Variant type: single nucleotide variant.
Coding change: c.647G>A on transcript NM_003242.6 (MANE Select); coding-DNA position 647, G replaced by A.
Protein change: p.Cys216Tyr; replaces cysteine 216 with tyrosine.
Molecular consequence: missense variant.
Genome position (GRCh38, 1-based): chr3:30,671,830, G>A. VCF-style: chr3-30671830-G-A. GRCh37 (hg19) VCF-style: chr3-30713322-G-A.
Other names: c.722G>A, p.Cys241Tyr (NM_001024847.3); c.830G>A, p.Cys277Tyr (NM_001407126.1); c.755G>A, p.Cys252Tyr (NM_001407127.1); c.674G>A, p.Cys225Tyr (NM_001407128.1); c.650G>A, p.Cys217Tyr (NM_001407129.1); c.647G>A, p.Cys216Tyr (NM_001407130.1); c.542G>A, p.Cys181Tyr (NM_001407132.1, NM_001407133.1, NM_001407134.1 and 2 more transcripts); c.362G>A, p.Cys121Tyr (NM_001407137.1); and 1 more; short protein forms C216Y, C241Y, C225Y, C181Y, C217Y, C277Y, C252Y, C121Y.
Identifiers: ClinVar variation 926444 (VCV000926444.6), dbSNP rs1699344317, ClinGen allele CA351807562.
Genomic context (GRCh38, chr3:30,671,830, plus strand): 5'-AGCTGAGTTCAACCTGGGAAACCGGCAAGACGCGGAAGCTCATGGAGTTCAGCGAGCACT[G>A]TGCCATCATCCTGGAAGATGACCGCTCTGACATCAGCTCCACGTGTGCCAACAACATCAA-3'
Protein context (NP_003233.4, residues 206-226): TRKLMEFSEH[Cys216Tyr]AIILEDDRSD

ClinVar aggregate classification (germline): Uncertain significance (1 of 4 stars; one submission).

Conditions:
Familial thoracic aortic aneurysm and aortic dissection (TAAD). Also called: Thoracic aortic aneurysms and dissections. Identifiers: Orphanet 91387, MedGen C4707243, MONDO:0019625.

Submission:

Color Diagnostics, LLC DBA Color Health
Classification: Uncertain significance for Familial thoracic aortic aneurysm and aortic dissection. Last evaluated: 2023-12-05. Review status: criteria provided, single submitter. Criteria: ACMG Guidelines, 2015. Collection method: clinical testing. Allele origin: germline.
Comment: This missense variant replaces cysteine with tyrosine at codon 241 of the TGFBR2 protein. Computational prediction tools and conservation analyses are inconclusive regarding the impact of this variant on the protein function. Computational splicing tools suggest that this variant may not impact RNA splicing. To our knowledge, functional assays have not been performed for this variant nor has this variant been reported in individuals affected with cardiovascular disorders in the literature. This variant has not been identified in the general population by the Genome Aggregation Database (gnomAD). Available evidence is insufficient to determine the role of this variant in disease conclusively. Therefore, this variant is classified as a Variant of Uncertain Significance.